The following is an entry in ClinVar:

ClinVar aggregate classification (germline): Benign/Likely benign. Review status: criteria provided, multiple submitters, no conflicts (2 of 4 stars). 9 submissions from 9 submitters: Benign (2); Likely benign (6). 1 of the submissions does not count toward it. Last evaluated 2025-12-09.

Conditions:
Hereditary cancer-predisposing syndrome. Also called: Neoplastic Syndromes, Hereditary; Tumor predisposition; Hereditary Cancer Syndrome; Hereditary neoplastic syndrome. Identifiers: Orphanet 140162, MedGen C0027672, MeSH D009386, MONDO:0015356.
Familial adenomatous polyposis 1 (FAP1). Also called: FAMILIAL ADENOMATOUS POLYPOSIS 1, ATTENUATED; POLYPOSIS, ADENOMATOUS INTESTINAL. Identifiers: MedGen C2713442, MONDO:0021056, OMIM 175100. Disease mechanism: loss of function.

Allele frequency attached by ClinVar (database versions not stated): ExAC 0.00002; gnomAD exomes 0.00002 and 0.00011; gnomAD 0.00003 and 0.00004; TOPMed 0.00003.
gnomAD v4.1: 165 of 1,614,056 alleles (0.01%); highest among the groups gnomAD compares: Non-Finnish European, 0.014%; 1 homozygote.

Submissions (9):

Labcorp Genetics (formerly Invitae), Labcorp
Classification: Likely benign for Familial adenomatous polyposis 1. Last evaluated: 2025-12-09. Review status: criteria provided, single submitter. Criteria: Invitae Variant Classification Sherloc (09022015). Collection method: clinical testing. Allele origin: germline.

Myriad Genetics, Inc.
Classification: Benign for Familial adenomatous polyposis 1. Last evaluated: 2023-02-16. Review status: criteria provided, single submitter. Criteria: Myriad Autosomal Dominant, Autosomal Recessive and X-Linked Classification Criteria (2023). Collection method: clinical testing. Allele origin: unknown.
Comment: This variant is considered benign. This variant is a silent/synonymous amino acid change and it is not expected to impact splicing.

Quest Diagnostics Nichols Institute San Juan Capistrano
Classification: Likely benign. Last evaluated: 2023-02-06. Review status: criteria provided, single submitter. Criteria: Quest Diagnostics criteria. Collection method: clinical testing. Allele origin: unknown.

Sema4
Classification: Likely benign for Hereditary cancer-predisposing syndrome. Last evaluated: 2020-11-11. Review status: criteria provided, single submitter. Criteria: Sema4 Curation Guidelines. Collection method: curation. Allele origin: germline.

Women's Health and Genetics/Laboratory Corporation of America, LabCorp
Classification: Likely benign. Last evaluated: 2019-08-20. Review status: criteria provided, single submitter. Criteria: LabCorp Variant Classification Summary - May 2015. Collection method: clinical testing. Allele origin: germline.

Color Diagnostics, LLC DBA Color Health
Classification: Likely benign for Hereditary cancer-predisposing syndrome. Last evaluated: 2016-12-02. Review status: criteria provided, single submitter. Criteria: ACMG Guidelines, 2015. Collection method: clinical testing. Allele origin: germline.

GeneDx
Classification: Benign. Last evaluated: 2015-05-04. Review status: criteria provided, single submitter. Criteria: GeneDx Variant Classification Process June 2021. Collection method: clinical testing. Allele origin: germline. Affected: yes.

Ambry Genetics
Classification: Likely benign for Hereditary cancer-predisposing syndrome. Last evaluated: 2014-11-06. Review status: criteria provided, single submitter. Criteria: Ambry Variant Classification Scheme 2023. Collection method: clinical testing. Allele origin: germline.

Counsyl
Classification: Likely benign for Familial adenomatous polyposis 1. Last evaluated: 2016-03-18. Review status: no assertion criteria provided. Collection method: clinical testing. Allele origin: unknown. Not counted in ClinVar's aggregate classification.

NM_000038.6(APC):c.4416A>T (p.Val1472=)

Gene: APC (APC regulator of Wnt signaling pathway; plus strand). Cytogenetic location: 5q22.2.
Variant type: single nucleotide variant.
Coding change: c.4416A>T on transcript NM_000038.6 (MANE Select); coding-DNA position 4416, A replaced by T.
Protein change: p.Val1472=; no amino-acid change (valine 1472 retained).
Molecular consequence: synonymous variant.
Genome position (GRCh38, 1-based): chr5:112,840,010, A>T. VCF-style: chr5-112840010-A-T. GRCh37 (hg19) VCF-style: chr5-112175707-A-T.
Other names: c.4416A>T, p.Val1472= (NM_001127510.3, NM_001354895.2); c.4362A>T, p.Val1454= (NM_001127511.3); c.4470A>T, p.Val1490= (NM_001354896.2); c.4446A>T, p.Val1482= (NM_001354897.2); c.4341A>T, p.Val1447= (NM_001354898.2); c.4332A>T, p.Val1444= (NM_001354899.2); c.4293A>T, p.Val1431= (NM_001354900.2); c.4239A>T, p.Val1413= (NM_001354901.2); and 5 more.
Identifiers: ClinVar variation 186724 (VCV000186724.24), dbSNP rs773352404, ClinGen allele CA009526.